The following is an entry in ClinVar:

NM_006031.6(PCNT):c.1474C>T (p.Leu492=)

Gene: PCNT (pericentrin; plus strand). Cytogenetic location: 21q22.3.
Variant type: single nucleotide variant.
Coding change: c.1474C>T on transcript NM_006031.6 (MANE Select); coding-DNA position 1474, C replaced by T.
Protein change: p.Leu492=; no amino-acid change (leucine 492 retained).
Molecular consequence: synonymous variant.
Genome position (GRCh38, 1-based): chr21:46,353,121, C>T. VCF-style: chr21-46353121-C-T. GRCh37 (hg19) VCF-style: chr21-47773035-C-T.
Other names: c.1474C>T (NM_006031.5); c.1120C>T, p.Leu374= (NM_001315529.2).
Identifiers: ClinVar variation 1640620 (VCV001640620.10), dbSNP rs772312106, ClinGen allele CA10078644.

ClinVar aggregate classification (germline): Likely benign. Review status: criteria provided, single submitter (1 of 4 stars). 2 submissions from 2 submitters: Likely benign (1). 1 of the submissions does not count toward it. Last evaluated 2024-06-22.

Conditions:
PCNT-related disorder. Also called: PCNT-related condition.

Allele frequency attached by ClinVar (database versions not stated): ExAC 0.00001; gnomAD exomes 0.00001.
gnomAD v4.1: 19 of 1,613,978 alleles (0.0012%); highest among the groups gnomAD compares: Admixed American, 0.0017%; no homozygotes.

Submissions (2):

Labcorp Genetics (formerly Invitae), Labcorp
Classification: Likely benign. Last evaluated: 2024-06-22. Review status: criteria provided, single submitter. Criteria: Invitae Variant Classification Sherloc (09022015). Collection method: clinical testing. Allele origin: germline.

PreventionGenetics, part of Exact Sciences
Classification: Likely benign for PCNT-related condition. Last evaluated: 2023-09-19. Review status: no assertion criteria provided. Collection method: clinical testing. Allele origin: germline. Not counted in ClinVar's aggregate classification.
Comment: This variant is classified as likely benign based on ACMG/AMP sequence variant interpretation guidelines (Richards et al. 2015 PMID: 25741868, with internal and published modifications).